The following is an entry in ClinVar:

NM_001077350.3(NPRL3):c.686_688del (p.Phe229del)

Genes: HBA-LCR (alpha-globin locus control region; plus strand), NPRL3 (NPR3 like, GATOR1 complex subunit; minus strand). Cytogenetic location: 16p13.3.
Variant type: Deletion.
Coding change: c.686_688del on transcript NM_001077350.3 (MANE Select); coding-DNA positions 686 to 688, 3 bases deleted (TCT; older notation c.686_688delTCT).
Protein change: p.Phe229del; deletes phenylalanine 229.
Molecular consequence: inframe deletion.
Genome position (GRCh38, 1-based): chr16:100,451-100,453, AGA deleted on the plus strand (TCT on the coding strand, the reverse complement: NPRL3 is on the minus strand); deleting any 3 consecutive bases within chr16:100,451-100,455 gives the same sequence; the c. name uses the placement nearest the transcript's 3' end. VCF-style (leftmost placement, unchanged base first): chr16-100450-CAGA-C. GRCh37 (hg19) VCF-style: chr16-150448-CAGA-C.
Other names: c.149_151del, p.Phe50del (NM_001039476.3); c.452_454del, p.Phe151del (NM_001243247.2); c.611_613del, p.Phe204del (NM_001243248.2, NM_001243249.2); c.686_688del (NM_001077350.2); short protein forms F229del, F151del, F204del, F50del.
Identifiers: ClinVar variation 1973215 (VCV001973215.6), dbSNP rs1470732015, ClinGen allele CA717829894.

ClinVar aggregate classification (germline): Uncertain significance. Review status: criteria provided, multiple submitters, no conflicts (2 of 4 stars). 2 submissions from 2 submitters: Uncertain significance (2). Last evaluated 2024-05-16.

Conditions:
Epilepsy, familial focal, with variable foci 3 (FFEVF3). Identifiers: MedGen C4310708, MONDO:0014925, OMIM 617118.

Submissions (2):

GeneDx
Classification: Uncertain significance. Last evaluated: 2024-05-16. Review status: criteria provided, single submitter. Criteria: GeneDx Variant Classification Process June 2021. Collection method: clinical testing. Allele origin: germline. Affected: yes.
Comment: In-frame deletion of 1 amino acid in a non-repeat region; Not observed at significant frequency in large population cohorts (gnomAD); In silico analysis supports a deleterious effect on protein structure/function; In silico analysis is inconclusive as to whether the variant alters gene splicing. In the absence of RNA/functional studies, the actual effect of this sequence change is unknown.; Has not been previously published as pathogenic or benign to our knowledge

Labcorp Genetics (formerly Invitae), Labcorp
Classification: Uncertain significance for Epilepsy, familial focal, with variable foci 3. Last evaluated: 2024-02-10. Review status: criteria provided, single submitter. Criteria: Invitae Variant Classification Sherloc (09022015). Collection method: clinical testing. Allele origin: germline.
Comment: This variant, c.686_688del, results in the deletion of 1 amino acid(s) of the NPRL3 protein (p.Phe229del), but otherwise preserves the integrity of the reading frame. This variant is not present in population databases (gnomAD no frequency). This variant has not been reported in the literature in individuals affected with NPRL3-related conditions. ClinVar contains an entry for this variant (Variation ID: 1973215). Experimental studies and prediction algorithms are not available or were not evaluated, and the functional significance of this variant is currently unknown. In summary, the available evidence is currently insufficient to determine the role of this variant in disease. Therefore, it has been classified as a Variant of Uncertain Significance.